The following is an entry in ClinVar:

ClinVar aggregate classification (germline): Uncertain significance (1 of 4 stars; one submission).

Submission:

GeneDx
Classification: Uncertain significance. Last evaluated: 2024-08-14. Review status: criteria provided, single submitter. Criteria: GeneDx Variant Classification Process June 2021. Collection method: clinical testing. Allele origin: germline. Affected: yes.
Comment: Not observed at significant frequency in large population cohorts (gnomAD); In silico analysis supports that this missense variant has a deleterious effect on protein structure/function; Has not been previously published as pathogenic or benign to our knowledge

NM_005618.4(DLL1):c.1279T>A (p.Tyr427Asn)

Gene: DLL1 (delta like canonical Notch ligand 1; minus strand). Cytogenetic location: 6q27.
Variant type: single nucleotide variant.
Coding change: c.1279T>A on transcript NM_005618.4 (MANE Select); coding-DNA position 1279, T replaced by A.
Protein change: p.Tyr427Asn; replaces tyrosine 427 with asparagine.
Molecular consequence: missense variant.
Genome position (GRCh38, 1-based): chr6:170,284,000, A>T on the plus strand (T>A on the coding strand, the complement: DLL1 is on the minus strand). VCF-style: chr6-170284000-A-T. GRCh37 (hg19) VCF-style: chr6-170593088-A-T.
Other names: short protein forms Y427N.
Identifiers: ClinVar variation 3731203 (VCV003731203.1).
Genomic context (GRCh38, chr6:170,284,000, plus strand): 5'-AGTCGTCCACGTTGTCGTCACAGTGCCTCCCCGAGAAGCCGGCCTGGCAGCGGCACAGGT[A>T]GGCATCACCGAGGTCCACACACTTGGCACCTGGAACACAGGGACATGAACATCACGTGTC-3'
Protein context (NP_005609.3, residues 417-437): GAKCVDLGDA[Tyr427Asn]LCRCQAGFSG